The following is an entry in ClinVar:

NM_006070.6(TFG):c.821-148T>C

Gene: TFG (trafficking from ER to golgi regulator; plus strand). Cytogenetic location: 3q12.2.
Variant type: single nucleotide variant.
Coding change: c.821-148T>C on transcript NM_006070.6 (MANE Select); 148 bases into the intron before coding-DNA position 821, T replaced by C.
Molecular consequence: intron variant.
Genome position (GRCh38, 1-based): chr3:100,748,001, T>C. VCF-style: chr3-100748001-T-C. GRCh37 (hg19) VCF-style: chr3-100466845-T-C.
Other names: c.821-148T>C (NM_001195478.2, NM_001007565.2); c.809-148T>C (NM_001195479.2).
Identifiers: ClinVar variation 678901 (VCV000678901.1), dbSNP rs79323767, ClinGen allele CA79714522.

ClinVar aggregate classification (germline): Likely benign (1 of 4 stars; one submission).

Allele frequency attached by ClinVar (database versions not stated): gnomAD exomes 0.00149; 1000 Genomes Project 0.01298; 1000 Genomes Project 30x 0.01359; gnomAD 0.01406 and 0.01508; TOPMed 0.01558.
gnomAD v4.1: 3,031 of 735,340 alleles (0.41%); highest among the groups gnomAD compares: African/African-American, 5%; 65 homozygotes.

Submission:

GeneDx
Classification: Likely benign. Last evaluated: 2018-06-16. Review status: criteria provided, single submitter. Criteria: GeneDx Variant Classification (06012015). Collection method: clinical testing. Allele origin: germline. Affected: yes.
Comment: This variant is considered likely benign or benign based on one or more of the following criteria: it is a conservative change, it occurs at a poorly conserved position in the protein, it is predicted to be benign by multiple in silico algorithms, and/or has population frequency not consistent with disease.